The following is an entry in ClinVar:

ClinVar aggregate classification (germline): Pathogenic (1 of 4 stars; one submission).

Conditions:
Duchenne muscular dystrophy (DMD). Also called: MUSCULAR DYSTROPHY, PSEUDOHYPERTROPHIC PROGRESSIVE, DUCHENNE TYPE; Duchenne Muscular Dystrophy (DMD). Identifiers: Orphanet 98896, MedGen C0013264, MONDO:0010679, OMIM 310200.

Submission:

Labcorp Genetics (formerly Invitae), Labcorp
Classification: Pathogenic for Duchenne muscular dystrophy. Last evaluated: 2022-08-07. Review status: criteria provided, single submitter. Criteria: Invitae Variant Classification Sherloc (09022015). Collection method: clinical testing. Allele origin: germline.
Comment: For these reasons, this variant has been classified as Pathogenic. Algorithms developed to predict the effect of sequence changes on RNA splicing suggest that this variant may disrupt the consensus splice site. This variant has not been reported in the literature in individuals affected with DMD-related conditions. This variant is not present in population databases (gnomAD no frequency). This sequence change creates a premature translational stop signal (p.Glu1234Argfs*8) in the DMD gene. It is expected to result in an absent or disrupted protein product. Loss-of-function variants in DMD are known to be pathogenic (PMID: 16770791, 25007885).

Literature cited by the submitters: PubMed 16770791; PubMed 25007885.

NM_004006.3(DMD):c.3699dup (p.Glu1234fs)

Gene: DMD (dystrophin; minus strand). Cytogenetic location: Xp21.1.
Variant type: Duplication.
Coding change: c.3699dup on transcript NM_004006.3 (MANE Select); coding-DNA position 3699, one base duplicated (A; older notation c.3699dupA).
Protein change: p.Glu1234fs; shifts the reading frame from glutamic acid 1234.
Molecular consequence: frameshift variant.
Genome position (GRCh38, 1-based): chrX:32,448,543, T duplicated on the plus strand (A on the coding strand, the reverse complement: DMD is on the minus strand); the first of 2 consecutive T bases (chrX:32,448,543-32,448,544); duplicating either gives the same sequence. VCF-style (leftmost placement, unchanged base first): chrX-32448542-C-CT. GRCh37 (hg19) VCF-style: chrX-32466659-C-CT.
Other names: c.3675dup, p.Glu1226fs (NM_000109.4); c.3687dup, p.Glu1230fs (NM_004009.3); c.3330dup, p.Glu1111fs (NM_004010.3); short protein forms E1111fs, E1230fs, E1226fs, E1234fs.
Identifiers: ClinVar variation 2011171 (VCV002011171.4), dbSNP rs2524244122, ClinGen allele CA2580100648.
Genomic context (GRCh38, chrX:32,448,542, plus strand): 5'-GCCTAGTGCAGAGCCACTGGTAGTTGGTGGTTAGAGTTTCAAGTTCCTTTTTTAAGGCCT[C>CT]TTGTGCTACAGGTGGAGCTTGAGCTATGACACTATTTACAGACTCAGTAAGGAGTTTCAC-3'